The following is an entry in ClinVar:

NM_000138.5(FBN1):c.6059_6080del (p.Glu2020fs)

Gene: FBN1 (fibrillin 1; minus strand). Cytogenetic location: 15q21.1.
Variant type: Deletion.
Coding change: c.6059_6080del on transcript NM_000138.5 (MANE Select); coding-DNA positions 6059 to 6080, 22 bases deleted (AGCCAGAAATTTGTGCCCTGGG).
Protein change: p.Glu2020fs; shifts the reading frame from glutamic acid 2020.
Molecular consequence: frameshift variant.
Genome position (GRCh38, 1-based): chr15:48,441,804-48,441,825, CCCAGGGCACAAATTTCTGGCT deleted on the plus strand (AGCCAGAAATTTGTGCCCTGGG on the coding strand, the reverse complement: FBN1 is on the minus strand); deleting any 22 consecutive bases within chr15:48,441,804-48,441,826 gives the same sequence; the c. name uses the placement nearest the transcript's 3' end. VCF-style (leftmost placement, unchanged base first): chr15-48441803-GCCCAGGGCACAAATTTCTGGCT-G. GRCh37 (hg19) VCF-style: chr15-48734000-GCCCAGGGCACAAATTTCTGGCT-G.
Other names: c.6059_6080del, p.Glu2020fs (NM_001406716.1); short protein forms E2020fs.
Identifiers: ClinVar variation 2943730 (VCV002943730.3), dbSNP rs2505446232, ClinGen allele CA2740096630.
Genomic context (GRCh38, chr15:48,441,803, plus strand): 5'-GGACAAGGAAAACCCTTCTGGACACAGACATTTGAAGCTGCCTTCAGTGTTACTGCATGT[GCCCAGGGCACAAATTTCTGGCT>G]CTTCGACACACTCATCAATATCTAAAAGAATCACATGAGTCAAACAAAGTCAAAACACGA-3'

ClinVar aggregate classification (germline): Pathogenic (1 of 4 stars; one submission).

Conditions:
Marfan syndrome (MFS). Also called: MARFAN SYNDROME, TYPE I; Marfan syndrome type 1; Marfan's syndrome; Marfan syndrome, classic; FBN1-Related Marfan Syndrome. Identifiers: Orphanet 284963, Orphanet 558, MedGen C0024796, MONDO:0007947, OMIM 154700.
Familial thoracic aortic aneurysm and aortic dissection (TAAD). Also called: Thoracic aortic aneurysms and dissections. Identifiers: Orphanet 91387, MedGen C4707243, MONDO:0019625.

Submission:

Labcorp Genetics (formerly Invitae), Labcorp
Classification: Pathogenic for Marfan syndrome; Familial thoracic aortic aneurysm and aortic dissection. Last evaluated: 2023-01-30. Review status: criteria provided, single submitter. Criteria: Invitae Variant Classification Sherloc (09022015). Collection method: clinical testing. Allele origin: germline.
Comment: This sequence change creates a premature translational stop signal (p.Glu2020Alafs*32) in the FBN1 gene. It is expected to result in an absent or disrupted protein product. Loss-of-function variants in FBN1 are known to be pathogenic (PMID: 17657824, 19293843). This variant is not present in population databases (gnomAD no frequency). This variant has not been reported in the literature in individuals affected with FBN1-related conditions. For these reasons, this variant has been classified as Pathogenic.

Literature cited by the submitters: PubMed 17657824; PubMed 19293843.